The following is an entry in ClinVar:

ClinVar aggregate classification (germline): Uncertain significance. Review status: criteria provided, multiple submitters, no conflicts (2 of 4 stars). 3 submissions from 3 submitters: Uncertain significance (3). Last evaluated 2024-08-28.

Conditions:
Inborn genetic diseases. Identifiers: MedGen C0950123, MeSH D030342.

Allele frequency attached by ClinVar (database versions not stated): gnomAD exomes 0.00001.
gnomAD v4.1: 8 of 1,611,852 alleles (0.0005%); highest among the groups gnomAD compares: Non-Finnish European, 0.00059%; no homozygotes.

Submissions (3):

Ambry Genetics
Classification: Uncertain significance for Inborn genetic diseases. Last evaluated: 2024-08-28. Review status: criteria provided, single submitter. Criteria: Ambry Variant Classification Scheme 2023. Collection method: clinical testing. Allele origin: germline.

Blueprint Genetics
Classification: Uncertain significance. Last evaluated: 2023-06-05. Review status: criteria provided, single submitter. Criteria: ACMG Guidelines, 2015. Collection method: clinical testing. Allele origin: germline.

Laboratory for Molecular Medicine, Mass General Brigham Personalized Medicine
Classification: Uncertain significance. Last evaluated: 2014-12-15. Review status: criteria provided, single submitter. Criteria: LMM Criteria. Collection method: clinical testing. Allele origin: germline. Observed: 1 variant allele.
Comment: The p.Glu4095Lys variant in GPR98 has not been previously reported in individual s with hearing loss or in large population studies. Computational prediction too ls and conservation analysis do not provide strong support for or against an imp act to the protein. In summary, the clinical significance of the p.Glu4095Lys va riant is uncertain.

NM_032119.4(ADGRV1):c.12283G>A (p.Glu4095Lys)

Gene: ADGRV1 (adhesion G protein-coupled receptor V1; plus strand). Cytogenetic location: 5q14.3.
Variant type: single nucleotide variant.
Coding change: c.12283G>A on transcript NM_032119.4 (MANE Select); coding-DNA position 12283, G replaced by A.
Protein change: p.Glu4095Lys; replaces glutamic acid 4095 with lysine.
Molecular consequence: missense variant. On other transcripts: non-coding transcript variant (1).
Genome position (GRCh38, 1-based): chr5:90,763,467, G>A. VCF-style: chr5-90763467-G-A. GRCh37 (hg19) VCF-style: chr5-90059284-G-A.
Other names: short protein forms E4095K.
Identifiers: ClinVar variation 228707 (VCV000228707.6), dbSNP rs876657818, ClinGen allele CA10576669.